The following is an entry in ClinVar:

ClinVar aggregate classification (germline): Likely pathogenic (1 of 4 stars; one submission).

Conditions:
Glycine encephalopathy. Also called: Nonketotic hyperglycinemia; Non-ketotic hyperglycinemia. Identifiers: Orphanet 407, MedGen C0751748, MONDO:0011612, HP:0008288.

Submission:

Labcorp Genetics (formerly Invitae), Labcorp
Classification: Likely pathogenic for Glycine encephalopathy. Last evaluated: 2024-05-26. Review status: criteria provided, single submitter. Criteria: Invitae Variant Classification Sherloc (09022015). Collection method: clinical testing. Allele origin: germline.
Comment: This sequence change replaces proline, which is neutral and non-polar, with glutamine, which is neutral and polar, at codon 304 of the GLDC protein (p.Pro304Gln). This variant is not present in population databases (gnomAD no frequency). This variant has not been reported in the literature in individuals affected with GLDC-related conditions. ClinVar contains an entry for this variant (Variation ID: 1513462). Advanced modeling of protein sequence and biophysical properties (such as structural, functional, and spatial information, amino acid conservation, physicochemical variation, residue mobility, and thermodynamic stability) has been performed at Invitae for this missense variant, however the output from this modeling did not meet the statistical confidence thresholds required to predict the impact of this variant on GLDC protein function. This variant disrupts the p.Pro304 amino acid residue in GLDC. Other variant(s) that disrupt this residue have been determined to be pathogenic (PMID: 26179960, 27362913). This suggests that this residue is clinically significant, and that variants that disrupt this residue are likely to be disease-causing. In summary, the currently available evidence indicates that the variant is pathogenic, but additional data are needed to prove that conclusively. Therefore, this variant has been classified as Likely Pathogenic.

Literature cited by the submitters: PubMed 26179960; PubMed 27362913.

NM_000170.3(GLDC):c.911C>A (p.Pro304Gln)

Gene: GLDC (glycine decarboxylase; minus strand). Cytogenetic location: 9p24.1.
Variant type: single nucleotide variant.
Coding change: c.911C>A on transcript NM_000170.3 (MANE Select); coding-DNA position 911, C replaced by A.
Protein change: p.Pro304Gln; replaces proline 304 with glutamine.
Molecular consequence: missense variant.
Genome position (GRCh38, 1-based): chr9:6,604,735, G>T on the plus strand (C>A on the coding strand, the complement: GLDC is on the minus strand). VCF-style: chr9-6604735-G-T. GRCh37 (hg19) VCF-style: chr9-6604735-G-T.
Other names: short protein forms P304Q.
Identifiers: ClinVar variation 1513462 (VCV001513462.6), dbSNP rs1207147043, ClinGen allele CA372895883.
Genomic context (GRCh38, chr9:6,604,735, plus strand): 5'-AGTGGCACTCCAAATCTCTGGGAGCTGCCCAGGGCGATGTCTACCCCAAATTCTCCAGGT[G>T]GCCTCAAGATGCACAAAGCTAAAAGGTCAGTAGCACAGCAGGCCAGGCTCTAGAAAGGAA-3'
Protein context (NP_000161.2, residues 294-314): TDLLALCILR[Pro304Gln]PGEFGVDIAL